The following is an entry in ClinVar:

ClinVar aggregate classification (germline): Uncertain significance (1 of 4 stars; one submission).

Submission:

Labcorp Genetics (formerly Invitae), Labcorp
Classification: Uncertain significance. Last evaluated: 2024-10-16. Review status: criteria provided, single submitter. Criteria: Invitae Variant Classification Sherloc (09022015). Collection method: clinical testing. Allele origin: germline.
Comment: This sequence change replaces arginine, which is basic and polar, with proline, which is neutral and non-polar, at codon 1172 of the CACNA1F protein (p.Arg1172Pro). This variant is not present in population databases (gnomAD no frequency). This variant has not been reported in the literature in individuals affected with CACNA1F-related conditions. Invitae Evidence Modeling of protein sequence and biophysical properties (such as structural, functional, and spatial information, amino acid conservation, physicochemical variation, residue mobility, and thermodynamic stability) indicates that this missense variant is not expected to disrupt CACNA1F protein function with a negative predictive value of 80%. Algorithms developed to predict the effect of sequence changes on RNA splicing suggest that this variant may disrupt the consensus splice site. In summary, the available evidence is currently insufficient to determine the role of this variant in disease. Therefore, it has been classified as a Variant of Uncertain Significance.

NM_001256789.3(CACNA1F):c.3482G>C (p.Arg1161Pro)

Gene: CACNA1F (calcium voltage-gated channel subunit alpha1 F; minus strand). Cytogenetic location: Xp11.23.
Variant type: single nucleotide variant.
Coding change: c.3482G>C on transcript NM_001256789.3 (MANE Select); coding-DNA position 3482, G replaced by C.
Protein change: p.Arg1161Pro; replaces arginine 1161 with proline.
Molecular consequence: missense variant.
Genome position (GRCh38, 1-based): chrX:49,215,201, C>G on the plus strand (G>C on the coding strand, the complement: CACNA1F is on the minus strand). VCF-style: chrX-49215201-C-G. GRCh37 (hg19) VCF-style: chrX-49071661-C-G.
Other names: c.3320G>C, p.Arg1107Pro (NM_001256790.3); c.3515G>C, p.Arg1172Pro (NM_005183.4); short protein forms R1107P, R1161P, R1172P.
Identifiers: ClinVar variation 3666999 (VCV003666999.2).
Genomic context (GRCh38, chrX:49,215,201, plus strand): 5'-AAGGCAGCAGAGTTCACAGTGGCCCACACACGATACTGATGCGGGTTCTTGGGGATGTAA[C>G]GGCGGAGTGGCTGGGCCTTGAGGGCATATTCCACACATTGACGCTGCATACCAGGGCAGG-3'
Protein context (NP_001243718.1, residues 1151-1171): EYALKAQPLR[Arg1161Pro]YIPKNPHQYR